The following is an entry in ClinVar:

NM_031433.4(MFRP):c.641+9C>T

Genes: C1QTNF5 (C1q and TNF related 5; minus strand), MFRP (membrane frizzled-related protein; minus strand). Cytogenetic location: 11q23.3.
Variant type: single nucleotide variant.
Coding change: c.641+9C>T on transcript NM_031433.4 (MANE Select); 9 bases into the intron after coding-DNA position 641, C replaced by T.
Molecular consequence: intron variant.
Genome position (GRCh38, 1-based): chr11:119,345,411, G>A on the plus strand (C>T on the coding strand, the complement: MFRP is on the minus strand). VCF-style: chr11-119345411-G-A. GRCh37 (hg19) VCF-style: chr11-119216121-G-A.
Other names: c.-1996+9C>T (NM_015645.5).
Identifiers: ClinVar variation 197863 (VCV000197863.47), dbSNP rs189840088, ClinGen allele CA017183.

ClinVar aggregate classification (germline): Benign/Likely benign. Review status: criteria provided, multiple submitters, no conflicts (2 of 4 stars). 8 submissions from 8 submitters: Benign (1); Likely benign (4). 3 of the submissions do not count toward it. Last evaluated 2026-01-18.

Conditions:
MFRP-related disorder. Also called: MFRP-related disorders; MFRP-related condition.
Isolated microphthalmia 5. Also called: Posterior Microphthalmia with Retinitis Pigmentosa, Foveoschisis, and Optic Disc Drusen. Identifiers: Orphanet 251279, MedGen C1970236, MONDO:0012605, OMIM 611040.

Allele frequency attached by ClinVar (database versions not stated): gnomAD exomes 0.00385 and 0.00420; gnomAD 0.00317 and 0.00337; ESP Exome Variant Server 0.00362; ExAC 0.00403; 1000 Genomes Project 30x 0.00078; 1000 Genomes Project 0.00100; TOPMed 0.00274.
gnomAD v4.1: 6,607 of 1,613,496 alleles (0.41%); highest among the groups gnomAD compares: Non-Finnish European, 0.44%; 19 homozygotes.

Submissions (8):

Labcorp Genetics (formerly Invitae), Labcorp
Classification: Benign for Isolated microphthalmia 5. Last evaluated: 2026-01-18. Review status: criteria provided, single submitter. Criteria: Invitae Variant Classification Sherloc (09022015). Collection method: clinical testing. Allele origin: germline.

Blueprint Genetics
Classification: Likely benign. Last evaluated: 2024-11-27. Review status: criteria provided, single submitter. Criteria: ACMG Guidelines, 2015. Collection method: clinical testing. Allele origin: germline.

CeGaT Center for Human Genetics Tuebingen
Classification: Likely benign. Last evaluated: 2023-03-01. Review status: criteria provided, single submitter. Criteria: CeGaT Center For Human Genetics Tuebingen Variant Classification Criteria Version 2. Collection method: clinical testing. Allele origin: germline. Affected: yes. Observed: 2 variant alleles.
Comment: C1QTNF5: BS2; MFRP: BS2

Eurofins Ntd Llc (ga)
Classification: Likely benign. Last evaluated: 2014-11-15. Review status: criteria provided, single submitter. Criteria: EGL Classification Definitions 2015. Collection method: clinical testing. Allele origin: germline. Observed: 2 variant alleles, 2 heterozygotes.

Breakthrough Genomics
Classification: Likely benign. Review status: criteria provided, single submitter. Criteria: ACMG Guidelines, 2015. Collection method: not provided. Allele origin: germline. Inheritance: Autosomal recessive inheritance. Affected: yes.

PreventionGenetics, part of Exact Sciences
Classification: Likely benign for MFRP-related condition. Last evaluated: 2019-06-19. Review status: no assertion criteria provided. Collection method: clinical testing. Allele origin: germline. Not counted in ClinVar's aggregate classification.
Comment: This variant is classified as likely benign based on ACMG/AMP sequence variant interpretation guidelines (Richards et al. 2015 PMID: 25741868, with internal and published modifications).

Clinical Genetics DNA and cytogenetics Diagnostics Lab, Erasmus MC, Erasmus Medical Center
Classification: Likely benign. Review status: no assertion criteria provided. Collection method: clinical testing. Allele origin: germline. Affected: yes. Study: VKGL Data-share Consensus. Not counted in ClinVar's aggregate classification.

Clinical Genetics, Academic Medical Center
Classification: Benign. Review status: no assertion criteria provided. Collection method: clinical testing. Allele origin: germline. Affected: yes. Study: VKGL Data-share Consensus. Not counted in ClinVar's aggregate classification.